The following is an entry in ClinVar:

ClinVar aggregate classification (germline): Uncertain significance (1 of 4 stars; one submission).

gnomAD v4.1: 11 of 1,190,687 alleles (0.00092%); highest among the groups gnomAD compares: Non-Finnish European, 0.0013%; no homozygotes.

Submission:

Labcorp Genetics (formerly Invitae), Labcorp
Classification: Uncertain significance. Last evaluated: 2024-05-24. Review status: criteria provided, single submitter. Criteria: Invitae Variant Classification Sherloc (09022015). Collection method: clinical testing. Allele origin: germline.
Comment: This sequence change replaces arginine, which is basic and polar, with threonine, which is neutral and polar, at codon 61 of the GYG2 protein (p.Arg61Thr). This variant is present in population databases (no rsID available, gnomAD 0.001%). This variant has not been reported in the literature in individuals affected with GYG2-related conditions. An algorithm developed to predict the effect of missense changes on protein structure and function (PolyPhen-2) suggests that this variant is likely to be tolerated. In summary, the available evidence is currently insufficient to determine the role of this variant in disease. Therefore, it has been classified as a Variant of Uncertain Significance.

NM_001079855.2(GYG2):c.89G>C (p.Arg30Thr)

Gene: GYG2 (glycogenin 2; plus strand). Cytogenetic location: Xp22.33.
Variant type: single nucleotide variant.
Coding change: c.89G>C on transcript NM_001079855.2 (MANE Select); coding-DNA position 89, G replaced by C.
Protein change: p.Arg30Thr; replaces arginine 30 with threonine.
Molecular consequence: missense variant. On other transcripts: intron variant (1).
Genome position (GRCh38, 1-based): chrX:2,843,294, G>C. VCF-style: chrX-2843294-G-C. GRCh37 (hg19) VCF-style: chrX-2761335-G-C.
Other names: c.89G>C, p.Arg30Thr (NM_001184702.2); c.182G>C, p.Arg61Thr (NM_001184703.2, NM_003918.3); c.-316-10686G>C (NM_001184704.2); short protein forms R30T, R61T.
Identifiers: ClinVar variation 2876705 (VCV002876705.3), dbSNP rs752833652, ClinGen allele CA412261274.